The following is an entry in ClinVar:

NC_000004.11:g.(?_5754598)_(5758602_?)del

Gene: EVC (EvC ciliary complex subunit 1; plus strand). Cytogenetic location: 4p16.2.
Variant type: Deletion.
Identifiers: ClinVar variation 3246643 (VCV003246643.1).

ClinVar aggregate classification (germline): Likely pathogenic (1 of 4 stars; one submission).

Conditions:
Ellis-van Creveld syndrome (EVC). Also called: MESOECTODERMAL DYSPLASIA; Chondroectodermal dysplasia; EVC-Related Ellis-van Creveld Syndrome; EVC2-Related Ellis-van Creveld Syndrome. Identifiers: Orphanet 289, MedGen C0013903, MONDO:0009162, OMIM 225500.
Curry-Hall syndrome (WAD). Also called: WEYERS ACRODENTAL DYSOSTOSIS. Identifiers: Orphanet 952, MedGen C0457013, MONDO:0008673, OMIM 193530.

Submission:

Labcorp Genetics (formerly Invitae), Labcorp
Classification: Likely pathogenic for Curry-Hall syndrome; Ellis-van Creveld syndrome. Last evaluated: 2019-08-12. Review status: criteria provided, single submitter. Criteria: Invitae Variant Classification Sherloc (09022015). Collection method: clinical testing. Allele origin: unknown.
Comment: In summary, the currently available evidence indicates that the variant is pathogenic, but additional data are needed to prove that conclusively. Therefore, this variant has been classified as Likely Pathogenic. Loss-of-function variants in EVC are known to be pathogenic (PMID: 23220543). This variant has not been reported in the literature in individuals with a EVC-related disease. This variant results in the deletion of part of exon 9 and exons 10-11 (c.1136_1563+515del) of the EVC gene. It is expected to disrupt RNA splicing and likely results in an absent or disrupted protein product.

Literature cited by the submitters: PubMed 23220543.